The following is an entry in ClinVar:

NM_001130965.3(SUN1):c.1777G>T (p.Ala593Ser)

Gene: SUN1 (Sad1 and UNC84 domain containing 1; plus strand). Cytogenetic location: 7p22.3.
Variant type: single nucleotide variant.
Coding change: c.1777G>T on transcript NM_001130965.3 (MANE Select); coding-DNA position 1777, G replaced by T.
Protein change: p.Ala593Ser; replaces alanine 593 with serine.
Molecular consequence: missense variant. On other transcripts: non-coding transcript variant (3).
Genome position (GRCh38, 1-based): chr7:860,380, G>T. VCF-style: chr7-860380-G-T. GRCh37 (hg19) VCF-style: chr7-900017-G-T.
Other names: c.1762G>T, p.Ala588Ser (NM_001367642.1); c.1969G>T, p.Ala657Ser (NM_001367643.1); c.1708G>T, p.Ala570Ser (NM_001367644.1); c.1825G>T, p.Ala609Ser (NM_001367645.1, NM_001367681.1); c.1906G>T, p.Ala636Ser (NM_001367646.1); c.1819G>T, p.Ala607Ser (NM_001367647.1, NM_001367668.1); c.1639G>T, p.Ala547Ser (NM_001367648.1); c.1822G>T, p.Ala608Ser (NM_001367649.1); and 43 more; short protein forms A404S, A440S, A510S, A542S, A567S, A582S, A588S, A593S.
Identifiers: ClinVar variation 1366844 (VCV001366844.8), dbSNP rs952938105, ClinGen allele CA152358127.

ClinVar aggregate classification (germline): Uncertain significance (1 of 4 stars; one submission).

Conditions:
Emery-Dreifuss muscular dystrophy (EDMD). Also called: Scapuloperoneal syndrome, X-linked (formerly); Humeroperoneal neuromuscular disease, (formerly). Identifiers: Orphanet 261, MedGen C0410189, MONDO:0016830.

Allele frequency attached by ClinVar (database versions not stated): TOPMed 0.00002.

Submission:

Labcorp Genetics (formerly Invitae), Labcorp
Classification: Uncertain significance for Emery-Dreifuss muscular dystrophy. Last evaluated: 2025-08-04. Review status: criteria provided, single submitter. Criteria: Invitae Variant Classification Sherloc (09022015). Collection method: clinical testing. Allele origin: germline.
Comment: This sequence change replaces alanine, which is neutral and non-polar, with serine, which is neutral and polar, at codon 593 of the SUN1 protein (p.Ala593Ser). This variant is not present in population databases (gnomAD no frequency). This variant has not been reported in the literature in individuals affected with SUN1-related conditions. ClinVar contains an entry for this variant (Variation ID: 1366844). An algorithm developed to predict the effect of missense changes on protein structure and function (PolyPhen-2) suggests that this variant is likely to be tolerated. In summary, the available evidence is currently insufficient to determine the role of this variant in disease. Therefore, it has been classified as a Variant of Uncertain Significance.